The following is an entry in ClinVar:

ClinVar aggregate classification (germline): Uncertain significance (1 of 4 stars; one submission).

gnomAD v4.1: 3 of 1,614,038 alleles (0.00019%); highest among the groups gnomAD compares: Admixed American, 0.005%; no homozygotes.

Submission:

Labcorp Genetics (formerly Invitae), Labcorp
Classification: Uncertain significance. Last evaluated: 2024-03-21. Review status: criteria provided, single submitter. Criteria: Invitae Variant Classification Sherloc (09022015). Collection method: clinical testing. Allele origin: germline.
Comment: This sequence change replaces proline, which is neutral and non-polar, with glutamine, which is neutral and polar, at codon 751 of the ALPK1 protein (p.Pro751Gln). This variant is not present in population databases (gnomAD no frequency). This variant has not been reported in the literature in individuals affected with ALPK1-related conditions. ClinVar contains an entry for this variant (Variation ID: 2191244). Advanced modeling of protein sequence and biophysical properties (such as structural, functional, and spatial information, amino acid conservation, physicochemical variation, residue mobility, and thermodynamic stability) performed at Invitae indicates that this missense variant is not expected to disrupt ALPK1 protein function with a negative predictive value of 80%. In summary, the available evidence is currently insufficient to determine the role of this variant in disease. Therefore, it has been classified as a Variant of Uncertain Significance.

NM_025144.4(ALPK1):c.2252C>A (p.Pro751Gln)

Gene: ALPK1 (alpha kinase 1; plus strand). Cytogenetic location: 4q25.
Variant type: single nucleotide variant.
Coding change: c.2252C>A on transcript NM_025144.4 (MANE Select); coding-DNA position 2252, C replaced by A.
Protein change: p.Pro751Gln; replaces proline 751 with glutamine.
Molecular consequence: missense variant.
Genome position (GRCh38, 1-based): chr4:112,431,799, C>A. VCF-style: chr4-112431799-C-A. GRCh37 (hg19) VCF-style: chr4-113352955-C-A.
Other names: c.2018C>A, p.Pro673Gln (NM_001253884.2); c.2252C>A, p.Pro751Gln (NM_001102406.2); short protein forms P673Q, P751Q.
Identifiers: ClinVar variation 2191244 (VCV002191244.4), dbSNP rs145634473, ClinGen allele CA357899026.